The following is an entry in ClinVar:

ClinVar aggregate classification (germline): Pathogenic (3 of 4 stars; one submission).

Conditions:
Breast-ovarian cancer, familial, susceptibility to, 1 (BROVCA1). Also called: BRCA1 Hereditary Breast and Ovarian Cancer; OVARIAN CANCER, SUSCEPTIBILITY TO. Identifiers: Orphanet 145, MedGen C2676676, MONDO:0011450, OMIM 604370. Disease mechanism: loss of function.

Submission:

Evidence-based Network for the Interpretation of Germline Mutant Alleles (ENIGMA)
Classification: Pathogenic for Breast-ovarian cancer, familial, susceptibility to, 1. Last evaluated: 2016-10-18. Review status: reviewed by expert panel. Criteria: ENIGMA BRCA1/2 Classification Criteria (2015). Collection method: curation. Allele origin: germline.
Comment: Variant allele predicted to encode a truncated non-functional protein.

NM_007294.4(BRCA1):c.190_211del (p.Cys64fs)

Gene: BRCA1 (BRCA1 DNA repair associated; minus strand). Cytogenetic location: 17q21.31.
Variant type: Deletion.
Coding change: c.190_211del on transcript NM_007294.4 (MANE Select); coding-DNA positions 190 to 211, 22 bases deleted (TGTAAGAATGATATAACCAAAA).
Protein change: p.Cys64fs; shifts the reading frame from cysteine 64.
Molecular consequence: frameshift variant.
Genome position (GRCh38, 1-based): chr17:43,106,457-43,106,478, TTTTGGTTATATCATTCTTACA deleted on the plus strand (TGTAAGAATGATATAACCAAAA on the coding strand, the reverse complement: BRCA1 is on the minus strand); deleting any 22 consecutive bases within chr17:43,106,457-43,106,479 gives the same sequence; the c. name uses the placement nearest the transcript's 3' end. VCF-style (leftmost placement, unchanged base first): chr17-43106456-CTTTTGGTTATATCATTCTTACA-C. GRCh37 (hg19) VCF-style: chr17-41258473-CTTTTGGTTATATCATTCTTACA-C.
Other names: 309del22; c.189_210del22, p.Cys64Glyfs (NM_001407581.1, NM_001407582.1, NM_001407583.1 and 167 more transcripts); c.48_69del22, p.Cys17Glyfs (NM_001407692.1, NM_001407694.1, NM_001407695.1 and 98 more transcripts); c.49_70del, p.Cys17fs (NM_007297.4); c.190_211del, p.Cys64fs (NM_007299.4, NM_007300.4); short protein forms C64fs, C17fs.
Identifiers: ClinVar variation 266198 (VCV000266198.4), dbSNP rs886039978, ClinGen allele CA10590030.